The following is an entry in ClinVar:

NM_001164277.2(SLC37A4):c.1263G>T (p.Met421Ile)

Gene: SLC37A4 (solute carrier family 37 member 4; minus strand). Cytogenetic location: 11q23.3.
Variant type: single nucleotide variant.
Coding change: c.1263G>T on transcript NM_001164277.2 (MANE Select); coding-DNA position 1263, G replaced by T.
Protein change: p.Met421Ile; replaces methionine 421 with isoleucine.
Molecular consequence: missense variant.
Genome position (GRCh38, 1-based): chr11:119,024,937, C>A on the plus strand (G>T on the coding strand, the complement: SLC37A4 is on the minus strand). VCF-style: chr11-119024937-C-A. GRCh37 (hg19) VCF-style: chr11-118895647-C-A.
Other names: c.1329G>T, p.Met443Ile (NM_001164278.2); c.1044G>T, p.Met348Ile (NM_001164279.2); c.1263G>T, p.Met421Ile (NM_001164280.2, NM_001467.6); short protein forms M421I, M443I, M348I.
Identifiers: ClinVar variation 4703469 (VCV004703469.1).
Genomic context (GRCh38, chr11:119,024,937, plus strand): 5'-CCGTGGGATGGTGCTCCGGAACCTGGACTCTCTTCACTCAGCCTTCTTGGACACTCGGCC[C>A]ATCTTGGTGCGGATGTTTCGTAGGAGGAAGAAGGCAGCCGTGCTGGCCGCACAAATCACT-3'
Protein context (NP_001157749.1, residues 411-429): FFLLRNIRTK[Met421Ile]GRVSKKAE

ClinVar aggregate classification (germline): Uncertain significance (1 of 4 stars; one submission).

Conditions:
Glucose-6-phosphate transport defect (GSD1B). Also called: Glycogen Storage Disease Type Ib; GSD Ib. Identifiers: Orphanet 364, Orphanet 79259, MedGen C0268146, MONDO:0009288, OMIM 232220.

Submission:

Labcorp Genetics (formerly Invitae), Labcorp
Classification: Uncertain significance for Glucose-6-phosphate transport defect. Last evaluated: 2025-09-22. Review status: criteria provided, single submitter. Criteria: Invitae Variant Classification Sherloc (09022015). Collection method: clinical testing. Allele origin: germline.
Comment: This sequence change replaces methionine, which is neutral and non-polar, with isoleucine, which is neutral and non-polar, at codon 421 of the SLC37A4 protein (p.Met421Ile). This variant is not present in population databases (gnomAD no frequency). This variant has not been reported in the literature in individuals affected with SLC37A4-related conditions. Invitae Evidence Modeling of protein sequence and biophysical properties (such as structural, functional, and spatial information, amino acid conservation, physicochemical variation, residue mobility, and thermodynamic stability) has been performed for this missense variant. However, the output from this modeling did not meet the statistical confidence thresholds required to predict the impact of this variant on SLC37A4 protein function. In summary, the available evidence is currently insufficient to determine the role of this variant in disease. Therefore, it has been classified as a Variant of Uncertain Significance.